The following is an entry in ClinVar:

NC_000022.10:g.(?_29130385)_(29130715_?)del

Gene: CHEK2 (checkpoint kinase 2; minus strand). Cytogenetic location: 22q12.1.
Variant type: Deletion.
Identifiers: ClinVar variation 460683 (VCV000460683.2).

ClinVar aggregate classification (germline): Pathogenic (1 of 4 stars; one submission).

Conditions:
Familial cancer of breast. Also called: BREAST CANCER, FAMILIAL; hereditary breast carcinoma; Hereditary breast cancer. Identifiers: Orphanet 227535, MedGen C0346153, MONDO:0016419, OMIM 114480. Disease mechanism: loss of function.

Submission:

Labcorp Genetics (formerly Invitae), Labcorp
Classification: Pathogenic for Familial cancer of breast. Last evaluated: 2018-04-06. Review status: criteria provided, single submitter. Criteria: Invitae Variant Classification Sherloc (09022015). Collection method: clinical testing. Allele origin: germline.
Comment: This variant is a gross deletion of the genomic region encompassing exon 2 of the CHEK2 gene, which includes the initiator codon. The 5' end of this event is unknown as it extends beyond the assayed region for this gene and therefore may encompass additional genes. The 3' boundary is likely confined to intron 2 of the CHEK2 gene. This is expected to result in an absent or disrupted protein product. While deletion of exon 2 has not been reported in the literature, loss-of-function variants and gross deletions in CHEK2 are known to be pathogenic (PMID: 21876083, 24713400). For these reasons, this variant has been classified as Pathogenic.

Literature cited by the submitters: PubMed 21876083; PubMed 24713400.